The following is an entry in ClinVar:

NM_005726.6(TSFM):c.910G>C (p.Gly304Arg)

Gene: TSFM (Ts translation elongation factor, mitochondrial; plus strand). Cytogenetic location: 12q14.1.
Variant type: single nucleotide variant.
Coding change: c.910G>C on transcript NM_005726.6 (MANE Select); coding-DNA position 910, G replaced by C.
Protein change: p.Gly304Arg; replaces glycine 304 with arginine.
Molecular consequence: missense variant. On other transcripts: 3 prime UTR variant (1), intron variant (1).
Genome position (GRCh38, 1-based): chr12:57,796,515, G>C. VCF-style: chr12-57796515-G-C. GRCh37 (hg19) VCF-style: chr12-58190298-G-C.
Other names: c.*318G>C (NM_001172695.2); c.973G>C, p.Gly325Arg (NM_001172696.2); c.571+3442G>C (NM_001172697.2); short protein forms G304R, G325R.
Identifiers: ClinVar variation 1355567 (VCV001355567.5), dbSNP rs748940010, ClinGen allele CA6659474.

ClinVar aggregate classification (germline): Uncertain significance (1 of 4 stars; one submission).

Allele frequency attached by ClinVar (database versions not stated): ExAC 0.00001; gnomAD exomes 0.00001.
gnomAD v4.1: 1 of 1,528,450 alleles (0.000065%); highest among the groups gnomAD compares: Non-Finnish European, 0.000088%; no homozygotes.

Submission:

Labcorp Genetics (formerly Invitae), Labcorp
Classification: Uncertain significance. Last evaluated: 2022-02-05. Review status: criteria provided, single submitter. Criteria: Invitae Variant Classification Sherloc (09022015). Collection method: clinical testing. Allele origin: germline.
Comment: This sequence change replaces glycine, which is neutral and non-polar, with arginine, which is basic and polar, at codon 325 of the TSFM protein (p.Gly325Arg). This variant is present in population databases (rs748940010, gnomAD 0.001%). This variant has not been reported in the literature in individuals affected with TSFM-related conditions. Algorithms developed to predict the effect of missense changes on protein structure and function are either unavailable or do not agree on the potential impact of this missense change (SIFT: "Tolerated"; PolyPhen-2: "Probably Damaging"; Align-GVGD: "Class C0"). In summary, the available evidence is currently insufficient to determine the role of this variant in disease. Therefore, it has been classified as a Variant of Uncertain Significance.